The following is an entry in ClinVar:

ClinVar aggregate classification (germline): Uncertain significance. Review status: criteria provided, multiple submitters, no conflicts (2 of 4 stars). 2 submissions from 2 submitters: Uncertain significance (2). Last evaluated 2024-09-09.

Conditions:
Inborn genetic diseases. Identifiers: MedGen C0950123, MeSH D030342.
Brachyolmia-amelogenesis imperfecta syndrome. Also called: PLATYSPONDYLY WITH AMELOGENESIS IMPERFECTA; Tooth agenesis, selective, 6; Dental anomalies and short stature. Identifiers: Orphanet 2899, MedGen C1832594, MONDO:0011018, OMIM 601216. Disease mechanism: loss of function.

gnomAD v4.1: 2 of 1,525,576 alleles (0.00013%); no homozygotes.

Submissions (2):

Labcorp Genetics (formerly Invitae), Labcorp
Classification: Uncertain significance for Brachyolmia-amelogenesis imperfecta syndrome. Last evaluated: 2024-09-09. Review status: criteria provided, single submitter. Criteria: Invitae Variant Classification Sherloc (09022015). Collection method: clinical testing. Allele origin: germline.
Comment: This sequence change replaces glutamic acid, which is acidic and polar, with aspartic acid, which is acidic and polar, at codon 1107 of the LTBP3 protein (p.Glu1107Asp). This variant is not present in population databases (gnomAD no frequency). This variant has not been reported in the literature in individuals affected with LTBP3-related conditions. An algorithm developed to predict the effect of missense changes on protein structure and function (PolyPhen-2) suggests that this variant is likely to be disruptive. In summary, the available evidence is currently insufficient to determine the role of this variant in disease. Therefore, it has been classified as a Variant of Uncertain Significance.

Ambry Genetics
Classification: Uncertain significance for Inborn genetic diseases. Last evaluated: 2024-01-01. Review status: criteria provided, single submitter. Criteria: Ambry Variant Classification Scheme 2023. Collection method: clinical testing. Allele origin: germline.
Comment: The p.E1107D variant (also known as c.3321G>C), located in coding exon 24 of the LTBP3 gene, results from a G to C substitution at nucleotide position 3321. The glutamic acid at codon 1107 is replaced by aspartic acid, an amino acid with highly similar properties. This amino acid position is conserved. In addition, this alteration is predicted to be tolerated by in silico analysis. Since supporting evidence is limited at this time, the clinical significance of this alteration remains unclear.

NM_001130144.3(LTBP3):c.3321G>C (p.Glu1107Asp)

Gene: LTBP3 (latent transforming growth factor beta binding protein 3; minus strand). Cytogenetic location: 11q13.1.
Variant type: single nucleotide variant.
Coding change: c.3321G>C on transcript NM_001130144.3 (MANE Select); coding-DNA position 3321, G replaced by C.
Protein change: p.Glu1107Asp; replaces glutamic acid 1107 with aspartic acid.
Molecular consequence: missense variant. On other transcripts: intron variant (2).
Genome position (GRCh38, 1-based): chr11:65,540,077, C>G on the plus strand (G>C on the coding strand, the complement: LTBP3 is on the minus strand). VCF-style: chr11-65540077-C-G. GRCh37 (hg19) VCF-style: chr11-65307548-C-G.
Other names: c.2893+168G>C (NM_001164266.1); c.3244+168G>C (NM_021070.4); short protein forms E1107D.
Identifiers: ClinVar variation 3233171 (VCV003233171.3), dbSNP rs1856018409, ClinGen allele CA381267146.